The following is an entry in ClinVar:

ClinVar aggregate classification (germline): Pathogenic (1 of 4 stars; one submission).

Submission:

Labcorp Genetics (formerly Invitae), Labcorp
Classification: Pathogenic. Last evaluated: 2020-04-26. Review status: criteria provided, single submitter. Criteria: Invitae Variant Classification Sherloc (09022015). Collection method: clinical testing. Allele origin: germline.
Comment: For these reasons, this variant has been classified as Pathogenic. Loss-of-function variants in XPC are known to be pathogenic (PMID: 23173980, 25256075). This variant has not been reported in the literature in individuals with XPC-related conditions. This variant is not present in population databases (ExAC no frequency). This sequence change creates a premature translational stop signal (p.Asp295Leufs*13) in the XPC gene. It is expected to result in an absent or disrupted protein product.

Literature cited by the submitters: PubMed 23173980; PubMed 25256075.

NM_004628.5(XPC):c.875_882dup (p.Asp295fs)

Gene: XPC (XPC complex subunit, DNA damage recognition and repair factor; minus strand). Cytogenetic location: 3p25.1.
Variant type: Duplication.
Coding change: c.875_882dup on transcript NM_004628.5 (MANE Select); coding-DNA positions 875 to 882, 8 bases duplicated (CTCGAGAT; older notation c.875_882dupCTCGAGAT).
Protein change: p.Asp295fs; shifts the reading frame from aspartic acid 295.
Molecular consequence: frameshift variant. On other transcripts: non-coding transcript variant (2).
Genome position (GRCh38, 1-based): chr3:14,164,831-14,164,838, ATCTCGAG duplicated on the plus strand (CTCGAGAT on the coding strand, the reverse complement: XPC is on the minus strand). VCF-style (leftmost placement, unchanged base first): chr3-14164830-C-CATCTCGAG. GRCh37 (hg19) VCF-style: chr3-14206330-C-CATCTCGAG.
Other names: c.296_303dup, p.Asp102fs (NM_001354726.2); c.875_882dup, p.Asp295fs (NM_001354727.2, NM_001354730.2); c.857_864dup, p.Asp289fs (NM_001354729.2); short protein forms D102fs, D289fs, D295fs.
Identifiers: ClinVar variation 1076552 (VCV001076552.7), dbSNP rs2125035636, ClinGen allele CA2499216530.